The following is an entry in ClinVar:

ClinVar aggregate classification (germline): Uncertain significance (1 of 4 stars; one submission).

gnomAD v4.1: 63 of 1,603,172 alleles (0.0039%); highest among the groups gnomAD compares: Non-Finnish European, 0.005%; no homozygotes.

Submission:

CeGaT Center for Human Genetics Tuebingen
Classification: Uncertain significance. Last evaluated: 2026-01-01. Review status: criteria provided, single submitter. Criteria: CeGaT Center For Human Genetics Tuebingen Variant Classification Criteria Version 2. Collection method: clinical testing. Allele origin: germline. Affected: yes. Observed: 1 variant allele.
Comment: FSIP2: PM2, BP4

NM_173651.4(FSIP2):c.16484T>C (p.Ile5495Thr)

Gene: FSIP2 (fibrous sheath interacting protein 2; plus strand). Cytogenetic location: 2q32.1.
Variant type: single nucleotide variant.
Coding change: c.16484T>C on transcript NM_173651.4 (MANE Select); coding-DNA position 16484, T replaced by C.
Protein change: p.Ile5495Thr; replaces isoleucine 5495 with threonine.
Molecular consequence: missense variant.
Genome position (GRCh38, 1-based): chr2:185,805,790, T>C. VCF-style: chr2-185805790-T-C. GRCh37 (hg19) VCF-style: chr2-186670517-T-C.
Other names: short protein forms I5495T.
Identifiers: ClinVar variation 4821652 (VCV004821652.4).
Genomic context (GRCh38, chr2:185,805,790, plus strand): 5'-TTAAAACCAAGGACACATCAGTGAAAAAAGGTGACATCCAAAATCCAGTACTTAGCTCTA[T>C]AAATGCAATTATGAAAAGCGGCATGATTAACCTAACATCAGGGTTGGCTACAGGTGTGAC-3'
Protein context (NP_775922.3, residues 5485-5505): GDIQNPVLSS[Ile5495Thr]NAIMKSGMIN